The following is an entry in ClinVar:

ClinVar aggregate classification (germline): Uncertain significance. Review status: criteria provided, multiple submitters, no conflicts (2 of 4 stars). 2 submissions from 2 submitters: Uncertain significance (2). Last evaluated 2022-08-03.

Conditions:
Hereditary cancer-predisposing syndrome. Also called: Hereditary Cancer Syndrome; Hereditary neoplastic syndrome; Tumor predisposition; Neoplastic Syndromes, Hereditary. Identifiers: Orphanet 140162, MedGen C0027672, MeSH D009386, MONDO:0015356.
DICER1-related tumor predisposition. Also called: DICER1 syndrome; DICER1-related pleuropulmonary blastoma cancer predisposition syndrome. Identifiers: Orphanet 284343, MedGen C3839822, MONDO:0100216.

Submissions (2):

Ambry Genetics
Classification: Uncertain significance for Hereditary cancer-predisposing syndrome. Last evaluated: 2022-08-03. Review status: criteria provided, single submitter. Criteria: Ambry Variant Classification Scheme 2023. Collection method: clinical testing. Allele origin: germline.
Comment: The p.H1004Y variant (also known as c.3010C>T), located in coding exon 18 of the DICER1 gene, results from a C to T substitution at nucleotide position 3010. The histidine at codon 1004 is replaced by tyrosine, an amino acid with similar properties. This amino acid position is highly conserved in available vertebrate species. In addition, the in silico prediction for this alteration is inconclusive. Since supporting evidence is limited at this time, the clinical significance of this alteration remains unclear.

Labcorp Genetics (formerly Invitae), Labcorp
Classification: Uncertain significance for DICER1-related tumor predisposition. Last evaluated: 2020-12-03. Review status: criteria provided, single submitter. Criteria: Invitae Variant Classification Sherloc (09022015). Collection method: clinical testing. Allele origin: germline.
Comment: In summary, the available evidence is currently insufficient to determine the role of this variant in disease. Therefore, it has been classified as a Variant of Uncertain Significance. Algorithms developed to predict the effect of missense changes on protein structure and function are either unavailable or do not agree on the potential impact of this missense change (SIFT: "Tolerated"; PolyPhen-2: "Probably Damaging"; Align-GVGD: "Class C0"). This variant has not been reported in the literature in individuals with DICER1-related conditions. This variant is not present in population databases (ExAC no frequency). This sequence change replaces histidine with tyrosine at codon 1004 of the DICER1 protein (p.His1004Tyr). The histidine residue is highly conserved and there is a moderate physicochemical difference between histidine and tyrosine.

NM_177438.3(DICER1):c.3010C>T (p.His1004Tyr)

Gene: DICER1 (dicer 1, ribonuclease III; minus strand). Cytogenetic location: 14q32.13.
Variant type: single nucleotide variant.
Coding change: c.3010C>T on transcript NM_177438.3 (MANE Select); coding-DNA position 3010, C replaced by T.
Protein change: p.His1004Tyr; replaces histidine 1004 with tyrosine.
Molecular consequence: missense variant.
Genome position (GRCh38, 1-based): chr14:95,105,761, G>A on the plus strand (C>T on the coding strand, the complement: DICER1 is on the minus strand). VCF-style: chr14-95105761-G-A. GRCh37 (hg19) VCF-style: chr14-95572098-G-A.
Other names: c.3010C>T, p.His1004Tyr (NM_001195573.1, NM_001271282.3, NM_001291628.2 and 1 more transcripts); short protein forms H1004Y.
Identifiers: ClinVar variation 1361775 (VCV001361775.11), dbSNP rs2139995122, ClinGen allele CA390878504.
Genomic context (GRCh38, chr14:95,105,761, plus strand): 5'-ATTTGGCTTTCCTCTTCTCAGCACTGCTTAAAGGAAGCGCTTTCCCCTTCTGATTCAAAT[G>A]TCGAGGTGTCAAAAGATTAAGTCTGTAAGAATTCCAAAACAATTTTATCAAACACACAAA-3'
Protein context (NP_803187.1, residues 994-1014): SSRLNLLTPR[His1004Tyr]LNQKGKALPL